The following is an entry in ClinVar:

NM_199242.3(UNC13D):c.818G>A (p.Arg273Gln)

Gene: UNC13D (unc-13 homolog D; minus strand). Cytogenetic location: 17q25.1.
Variant type: single nucleotide variant.
Coding change: c.818G>A on transcript NM_199242.3 (MANE Select); coding-DNA position 818, G replaced by A.
Protein change: p.Arg273Gln; replaces arginine 273 with glutamine.
Molecular consequence: missense variant.
Genome position (GRCh38, 1-based): chr17:75,840,265, C>T on the plus strand (G>A on the coding strand, the complement: UNC13D is on the minus strand). VCF-style: chr17-75840265-C-T. GRCh37 (hg19) VCF-style: chr17-73836346-C-T.
Other names: short protein forms R273Q.
Identifiers: ClinVar variation 1009092 (VCV001009092.4), dbSNP rs764351769, ClinGen allele CA8773265.

ClinVar aggregate classification (germline): Uncertain significance (1 of 4 stars; one submission).

Conditions:
Familial hemophagocytic lymphohistiocytosis 3 (FHL3). Also called: UNC13D-Related Familial Hemophagocytic Lymphohistiocytosis (UNC13D-fHLH). Identifiers: Orphanet 540, MedGen C1837174, MONDO:0012146, OMIM 608898.

Allele frequency attached by ClinVar (database versions not stated): gnomAD exomes below 0.00001 and 0.00001; TOPMed below 0.00001; ExAC 0.00001; gnomAD 0.00001.
gnomAD v4.1: 4 of 1,613,898 alleles (0.00025%); highest among the groups gnomAD compares: Non-Finnish European, 0.00025%; no homozygotes.

Submission:

Labcorp Genetics (formerly Invitae), Labcorp
Classification: Uncertain significance for Familial hemophagocytic lymphohistiocytosis 3. Last evaluated: 2021-09-17. Review status: criteria provided, single submitter. Criteria: Invitae Variant Classification Sherloc (09022015). Collection method: clinical testing. Allele origin: germline.
Comment: This sequence change replaces arginine with glutamine at codon 273 of the UNC13D protein (p.Arg273Gln). The arginine residue is highly conserved and there is a small physicochemical difference between arginine and glutamine. This variant is present in population databases (rs764351769, ExAC 0.002%). This variant has not been reported in the literature in individuals affected with UNC13D-related conditions. Algorithms developed to predict the effect of missense changes on protein structure and function are either unavailable or do not agree on the potential impact of this missense change (SIFT: "Not Available"; PolyPhen-2: "Probably Damaging"; Align-GVGD: "Not Available"). In summary, the available evidence is currently insufficient to determine the role of this variant in disease. Therefore, it has been classified as a Variant of Uncertain Significance.